The following is an entry in ClinVar:

ClinVar aggregate classification (germline): Uncertain significance (1 of 4 stars; one submission).

Conditions:
Jeune thoracic dystrophy. Also called: Jeune syndrome; Infantile thoracic dystrophy; Thoracic pelvic phalangeal dystrophy; Jeune's syndrome; Chondroectodermal dysplasia-like syndrome; Short-rib thoracic dysplasia. Identifiers: Orphanet 474, MedGen C0265275, MONDO:0018770.

Submission:

Labcorp Genetics (formerly Invitae), Labcorp
Classification: Uncertain significance for Jeune thoracic dystrophy. Last evaluated: 2024-02-05. Review status: criteria provided, single submitter. Criteria: Invitae Variant Classification Sherloc (09022015). Collection method: clinical testing. Allele origin: germline.
Comment: This sequence change replaces asparagine, which is neutral and polar, with aspartic acid, which is acidic and polar, at codon 1850 of the DYNC2H1 protein (p.Asn1850Asp). This variant is not present in population databases (gnomAD no frequency). This variant has not been reported in the literature in individuals affected with DYNC2H1-related conditions. ClinVar contains an entry for this variant (Variation ID: 2067293). Advanced modeling of protein sequence and biophysical properties (such as structural, functional, and spatial information, amino acid conservation, physicochemical variation, residue mobility, and thermodynamic stability) performed at Invitae indicates that this missense variant is not expected to disrupt DYNC2H1 protein function with a negative predictive value of 95%. In summary, the available evidence is currently insufficient to determine the role of this variant in disease. Therefore, it has been classified as a Variant of Uncertain Significance.

NM_001377.3(DYNC2H1):c.5548A>G (p.Asn1850Asp)

Gene: DYNC2H1 (dynein cytoplasmic 2 heavy chain 1; plus strand). Cytogenetic location: 11q22.3.
Variant type: single nucleotide variant.
Coding change: c.5548A>G on transcript NM_001377.3 (MANE Select); coding-DNA position 5548, A replaced by G.
Protein change: p.Asn1850Asp; replaces asparagine 1850 with aspartic acid.
Molecular consequence: missense variant.
Genome position (GRCh38, 1-based): chr11:103,173,295, A>G. VCF-style: chr11-103173295-A-G. GRCh37 (hg19) VCF-style: chr11-103044024-A-G.
Other names: c.5548A>G, p.Asn1850Asp (NM_001080463.2); short protein forms N1850D.
Identifiers: ClinVar variation 2067293 (VCV002067293.4), dbSNP rs2497153563, ClinGen allele CA382243268.